The following is an entry in ClinVar:

NM_001003694.2(BRPF1):c.3540G>A (p.Glu1180=)

Gene: BRPF1 (bromodomain and PHD finger containing 1; plus strand). Cytogenetic location: 3p25.3.
Variant type: single nucleotide variant.
Coding change: c.3540G>A on transcript NM_001003694.2 (MANE Select); coding-DNA position 3540, G replaced by A.
Protein change: p.Glu1180=; no amino-acid change (glutamic acid 1180 retained).
Molecular consequence: synonymous variant. On other transcripts: non-coding transcript variant (1).
Genome position (GRCh38, 1-based): chr3:9,747,226, G>A. VCF-style: chr3-9747226-G-A. GRCh37 (hg19) VCF-style: chr3-9788910-G-A.
Other names: c.3237G>A, p.Glu1079= (NM_001319049.2); c.3519G>A, p.Glu1173= (NM_001319050.2); c.3537G>A, p.Glu1179= (NM_001410704.1); c.3522G>A, p.Glu1174= (NM_004634.3).
Identifiers: ClinVar variation 3046072 (VCV003046072.4), dbSNP rs143857877, ClinGen allele CA2242426.

ClinVar aggregate classification (germline): Likely benign. Review status: criteria provided, multiple submitters, no conflicts (2 of 4 stars). 3 submissions from 3 submitters: Likely benign (2). 1 of the submissions does not count toward it. Last evaluated 2026-08-01.

Conditions:
BRPF1-related disorder. Also called: BRPF1-related condition.

Allele frequency attached by ClinVar (database versions not stated): gnomAD exomes 0.00022; ExAC 0.00076; ESP Exome Variant Server 0.00208; gnomAD 0.00250; TOPMed 0.00275; 1000 Genomes Project 0.00379; 1000 Genomes Project 30x 0.00390.
gnomAD v4.1: 722 of 1,614,204 alleles (0.045%); highest among the groups gnomAD compares: African/African-American, 0.83%; 3 homozygotes.

Submissions (3):

CeGaT Center for Human Genetics Tuebingen
Classification: Likely benign. Last evaluated: 2026-08-01. Review status: criteria provided, single submitter. Criteria: CeGaT Center For Human Genetics Tuebingen Variant Classification Criteria Version 2. Collection method: clinical testing. Allele origin: germline. Affected: yes. Observed: 1 variant allele.
Comment: BRPF1: BP4, BP7, BS1

Blueprint Genetics
Classification: Likely benign. Last evaluated: 2024-10-15. Review status: criteria provided, single submitter. Criteria: ACMG Guidelines, 2015. Collection method: clinical testing. Allele origin: germline.

PreventionGenetics, part of Exact Sciences
Classification: Benign for BRPF1-related condition. Last evaluated: 2019-11-14. Review status: no assertion criteria provided. Collection method: clinical testing. Allele origin: germline. Not counted in ClinVar's aggregate classification.
Comment: This variant is classified as benign based on ACMG/AMP sequence variant interpretation guidelines (Richards et al. 2015 PMID: 25741868, with internal and published modifications).